The following is an entry in ClinVar:

ClinVar aggregate classification (germline): not provided (0 of 4 stars; one submission).

Conditions:
Gestational diabetes mellitus uncontrolled. Identifiers: MedGen C3532257.

Submission:

Institute of Molecular and Cell Biology, University of Tartu
No classification provided. Condition: Gestational diabetes mellitus uncontrolled. Review status: no classification provided. Collection method: case-control. Allele origin: unknown. Affected: yes. Study: Kasak2014.
Comment: The study aimed to determine the contribution of copy number variants in the genetic etiology of normal and complicated pregnancies. The samples represented (i) maternal blood DNA drawn from healthy pregnant women during 1st or 2nd trimester and (ii) maternal and paternal blood DNA drawn at term pregnancy cases representing normal and complicated gestations (severe preeclampsia, PE; gestational diabetes, GD; small-for-gestational age newborn, SGA; large-for-gestational age newborn, LGA). We performed CNV calling based on genome-wide genotyping dataset (Illumina HumanOmniExpress-24-v1 BeadChip) by applying three algorithms, QuantiSNP, GADA (Genome Alteration Detection Algorithm) and CNstream in parallel. The acquired CNV calls were merged with HD-CNV (Hotspot Detector for Copy Number Variants) program and only the CNVs predicted by at least two programs, were considered in subsequent analysis.

Literature cited by the submitters: PubMed 25666259.

NG_032046.2:g.169545_239936dup

Gene: CHRM3 (cholinergic receptor muscarinic 3; plus strand). Cytogenetic location: 1q43.
Variant type: Duplication.
Identifiers: ClinVar variation 156772 (VCV000156772.2).